The following is an entry in ClinVar:

ClinVar aggregate classification (germline): Pathogenic (1 of 4 stars; one submission).

Conditions:
ALG8 congenital disorder of glycosylation. Also called: CONGENITAL DISORDER OF GLYCOSYLATION, TYPE Ih; ALG8-CDG; CDG Ih. Identifiers: Orphanet 79325, MedGen C2931002, MONDO:0011969, OMIM 608104.

Submission:

Labcorp Genetics (formerly Invitae), Labcorp
Classification: Pathogenic for ALG8 congenital disorder of glycosylation. Last evaluated: 2024-01-16. Review status: criteria provided, single submitter. Criteria: Invitae Variant Classification Sherloc (09022015). Collection method: clinical testing. Allele origin: germline.
Comment: This sequence change creates a premature translational stop signal (p.Glu452Argfs*6) in the ALG8 gene. While this is not anticipated to result in nonsense mediated decay, it is expected to disrupt the last 75 amino acid(s) of the ALG8 protein. This variant is not present in population databases (gnomAD no frequency). This variant has not been reported in the literature in individuals affected with ALG8-related conditions. This variant disrupts a region of the ALG8 protein in which other variant(s) (p.Pro479Leufs*7) have been determined to be pathogenic (PMID: 19648040). This suggests that this is a clinically significant region of the protein, and that variants that disrupt it are likely to be disease-causing. For these reasons, this variant has been classified as Pathogenic.

Literature cited by the submitters: PubMed 19648040.

NM_024079.5(ALG8):c.1353dup (p.Glu452fs)

Gene: ALG8 (ALG8 alpha-1,3-glucosyltransferase; minus strand). Cytogenetic location: 11q14.1.
Variant type: Duplication.
Coding change: c.1353dup on transcript NM_024079.5 (MANE Select); coding-DNA position 1353, one base duplicated (A; older notation c.1353dupA).
Protein change: p.Glu452fs; shifts the reading frame from glutamic acid 452.
Molecular consequence: frameshift variant. On other transcripts: 3 prime UTR variant (1).
Genome position (GRCh38, 1-based): chr11:78,101,192, T duplicated on the plus strand (A on the coding strand, the reverse complement: ALG8 is on the minus strand); the first of 4 consecutive T bases (chr11:78,101,192-78,101,195); duplicating any one gives the same sequence. VCF-style (leftmost placement, unchanged base first): chr11-78101191-C-CT. GRCh37 (hg19) VCF-style: chr11-77812237-C-CT.
Other names: c.*24dup (NM_001007027.3); c.1353dup, p.Glu453Argfs (NM_001425219.1); c.1335dup, p.Glu447Argfs (NM_001425220.1); c.1275dup, p.Glu427Argfs (NM_001425221.1); c.1374dup, p.Glu460Argfs (NM_001425222.1); c.1344dup, p.Glu450Argfs (NM_001425223.1); c.1443dup, p.Glu483Argfs (NM_001425224.1); c.1398dup, p.Glu468Argfs (NM_001425225.1); and 15 more; short protein forms E452fs.
Identifiers: ClinVar variation 2977771 (VCV002977771.3), dbSNP rs2496889084, ClinGen allele CA2574935003.